The following is an entry in ClinVar:

ClinVar aggregate classification (germline): Uncertain significance (1 of 4 stars; one submission).

Submission:

Labcorp Genetics (formerly Invitae), Labcorp
Classification: Uncertain significance. Last evaluated: 2022-11-07. Review status: criteria provided, single submitter. Criteria: Invitae Variant Classification Sherloc (09022015). Collection method: clinical testing. Allele origin: germline.
Comment: This variant has not been reported in the literature in individuals affected with USH2A-related conditions. This variant is not present in population databases (gnomAD no frequency). This sequence change replaces valine, which is neutral and non-polar, with glycine, which is neutral and non-polar, at codon 3604 of the USH2A protein (p.Val3604Gly). ClinVar contains an entry for this variant (Variation ID: 1348038). In summary, the available evidence is currently insufficient to determine the role of this variant in disease. Therefore, it has been classified as a Variant of Uncertain Significance. Advanced modeling of protein sequence and biophysical properties (such as structural, functional, and spatial information, amino acid conservation, physicochemical variation, residue mobility, and thermodynamic stability) performed at Invitae indicates that this missense variant is not expected to disrupt USH2A protein function.

NM_206933.4(USH2A):c.10811T>G (p.Val3604Gly)

Gene: USH2A (usherin; minus strand). Cytogenetic location: 1q41.
Variant type: single nucleotide variant.
Coding change: c.10811T>G on transcript NM_206933.4 (MANE Select); coding-DNA position 10811, T replaced by G.
Protein change: p.Val3604Gly; replaces valine 3604 with glycine.
Molecular consequence: missense variant.
Genome position (GRCh38, 1-based): chr1:215,779,971, A>C on the plus strand (T>G on the coding strand, the complement: USH2A is on the minus strand). VCF-style: chr1-215779971-A-C. GRCh37 (hg19) VCF-style: chr1-215953313-A-C.
Other names: short protein forms V3604G.
Identifiers: ClinVar variation 1348038 (VCV001348038.6), dbSNP rs2102760689, ClinGen allele CA344834116.
Genomic context (GRCh38, chr1:215,779,971, plus strand): 5'-TGGTACTCTTTAATGACGCCGTTTGATTTCTCAGGGACACTCCAGCTCAGATGCAGAGCC[A>C]CTGCACTTAGGGCTGTGATGCTTGGTGGCAGGATGCTCTCCGGAACTCCTTGGGTAGTAG-3'
Protein context (NP_996816.3, residues 3594-3614): LPPSITALSA[Val3604Gly]ALHLSWSVPE